The following is an entry in ClinVar:

NM_001261826.3(AP3D1):c.588C>A (p.Asp196Glu)

Gene: AP3D1 (adaptor related protein complex 3 subunit delta 1; minus strand). Cytogenetic location: 19p13.3.
Variant type: single nucleotide variant.
Coding change: c.588C>A on transcript NM_001261826.3 (MANE Select); coding-DNA position 588, C replaced by A.
Protein change: p.Asp196Glu; replaces aspartic acid 196 with glutamic acid.
Molecular consequence: missense variant.
Genome position (GRCh38, 1-based): chr19:2,130,412, G>T on the plus strand (C>A on the coding strand, the complement: AP3D1 is on the minus strand). VCF-style: chr19-2130412-G-T. GRCh37 (hg19) VCF-style: chr19-2130411-G-T.
Other names: p.Asp196Glu; c.588C>A, p.Asp196Glu (NM_001374799.1, NM_003938.8); c.588C>A (NM_003938.5); short protein forms D196E.
Identifiers: ClinVar variation 1406604 (VCV001406604.8), dbSNP rs768237900, ClinGen allele CA9059671.

ClinVar aggregate classification (germline): Uncertain significance. Review status: criteria provided, multiple submitters, no conflicts (2 of 4 stars). 3 submissions from 3 submitters: Uncertain significance (3). Last evaluated 2025-12-16.

Conditions:
Inborn genetic diseases. Identifiers: MedGen C0950123, MeSH D030342.

Allele frequency attached by ClinVar (database versions not stated): gnomAD 0.00001; gnomAD exomes 0.00001 and 0.00003; TOPMed 0.00001; ExAC 0.00003.
gnomAD v4.1: 19 of 1,613,956 alleles (0.0012%); highest among the groups gnomAD compares: Middle Eastern, 0.016%; no homozygotes.

Submissions (3):

Ambry Genetics
Classification: Uncertain significance for Inborn genetic diseases. Last evaluated: 2025-12-16. Review status: criteria provided, single submitter. Criteria: Ambry Variant Classification Scheme 2023. Collection method: clinical testing. Allele origin: germline.

Mayo Clinic Laboratories, Mayo Clinic
Classification: Uncertain significance. Last evaluated: 2024-06-03. Review status: criteria provided, single submitter. Criteria: ACMG Guidelines, 2015. Collection method: clinical testing. Allele origin: germline. Observed: 1 variant allele.
Comment: BP4

Labcorp Genetics (formerly Invitae), Labcorp
Classification: Uncertain significance. Last evaluated: 2024-02-26. Review status: criteria provided, single submitter. Criteria: Invitae Variant Classification Sherloc (09022015). Collection method: clinical testing. Allele origin: germline.
Comment: This sequence change replaces aspartic acid, which is acidic and polar, with glutamic acid, which is acidic and polar, at codon 196 of the AP3D1 protein (p.Asp196Glu). This variant is present in population databases (rs768237900, gnomAD 0.02%). This variant has not been reported in the literature in individuals affected with AP3D1-related conditions. ClinVar contains an entry for this variant (Variation ID: 1406604). An algorithm developed to predict the effect of missense changes on protein structure and function (PolyPhen-2) suggests that this variant is likely to be tolerated. In summary, the available evidence is currently insufficient to determine the role of this variant in disease. Therefore, it has been classified as a Variant of Uncertain Significance.